The following is an entry in ClinVar:

ClinVar aggregate classification (germline): Uncertain significance (1 of 4 stars; one submission).

Allele frequency attached by ClinVar (database versions not stated): gnomAD exomes 0.00002 and 0.00001; TOPMed 0.00001.
gnomAD v4.1: 7 of 1,614,034 alleles (0.00043%); highest among the groups gnomAD compares: East Asian, 0.013%; no homozygotes.

Submission:

Biesecker Lab/Clinical Genomics Section, National Institutes of Health
Classification: Uncertain significance. Last evaluated: 2013-06-24. Review status: criteria provided, single submitter. Criteria: Ng et al. (Circ Cardiovasc Genet. 2013). Collection method: research. Allele origin: unknown. Observed: 1 variant allele. Study: ClinSeq.
Comment: The study set was not selected for affection status in relation to any cancer. Pathogenicity categories were based on literature curation. See Pubmed ID:23861362 for details.

Medical sequencing

NM_001148.6(ANK2):c.2234A>G (p.Asn745Ser)

Gene: ANK2 (ankyrin 2; plus strand). Cytogenetic location: 4q26.
Variant type: single nucleotide variant.
Coding change: c.2234A>G on transcript NM_001148.6 (MANE Select); coding-DNA position 2234, A replaced by G.
Protein change: p.Asn745Ser; replaces asparagine 745 with serine.
Molecular consequence: missense variant.
Genome position (GRCh38, 1-based): chr4:113,288,443, A>G. VCF-style: chr4-113288443-A-G. GRCh37 (hg19) VCF-style: chr4-114209599-A-G.
Other names: c.2171A>G, p.Asn724Ser (NM_001127493.3, NM_001354239.2, NM_001354243.2 and 10 more transcripts); c.2234A>G, p.Asn745Ser (NM_001354225.2, NM_001354228.2, NM_001354232.2 and 6 more transcripts); c.2279A>G, p.Asn760Ser (NM_001354230.2, NM_001354231.2, NM_001354237.2 and 5 more transcripts); c.2135A>G, p.Asn712Ser (NM_001354245.2, NM_001354268.2); c.2147A>G, p.Asn716Ser (NM_001354249.2, NM_001354264.2, NM_001354266.2 and 10 more transcripts); c.2072A>G, p.Asn691Ser (NM_001354253.2, NM_001354257.2, NM_001354270.2 and 1 more transcripts); c.2048A>G, p.Asn683Ser (NM_001354260.2, NM_001354271.2, NM_001386151.1); c.2192A>G, p.Asn731Ser (NM_001354261.2, NM_001386147.1, NM_001386160.1); and 8 more; short protein forms N724S, N745S, N675S, N691S, N712S, N760S, N650S, N679S.
Identifiers: ClinVar variation 191400 (VCV000191400.1), dbSNP rs786205263, ClinGen allele CA236526.